The following is an entry in ClinVar:

NM_001204.7(BMPR2):c.761A>T (p.His254Leu)

Gene: BMPR2 (bone morphogenetic protein receptor type 2; plus strand). Cytogenetic location: 2q33.2.
Variant type: single nucleotide variant.
Coding change: c.761A>T on transcript NM_001204.7 (MANE Select); coding-DNA position 761, A replaced by T.
Protein change: p.His254Leu; replaces histidine 254 with leucine.
Molecular consequence: missense variant.
Genome position (GRCh38, 1-based): chr2:202,518,961, A>T. VCF-style: chr2-202518961-A-T. GRCh37 (hg19) VCF-style: chr2-203383684-A-T.
Other names: short protein forms H254L.
Identifiers: ClinVar variation 5033132 (VCV005033132.1).

ClinVar aggregate classification (germline): Uncertain significance (1 of 4 stars; one submission).

Conditions:
Inborn genetic diseases. Identifiers: MedGen C0950123, MeSH D030342.

Submission:

Ambry Genetics
Classification: Uncertain significance for Inborn genetic diseases. Last evaluated: 2026-09-05. Review status: criteria provided, single submitter. Criteria: Ambry Variant Classification Scheme 2023. Collection method: clinical testing. Allele origin: germline.
Comment: The p.H254L variant (also known as c.761A>T), located in coding exon 6 of the BMPR2 gene, results from an A to T substitution at nucleotide position 761. The histidine at codon 254 is replaced by leucine, an amino acid with similar properties. This amino acid position is conserved. In addition, this alteration is predicted to be deleterious by in silico analysis. Based on the available evidence, the clinical significance of this variant remains unclear.